The following is an entry in ClinVar:

NM_004360.5(CDH1):c.1098_1101del (p.Asp367fs)

Gene: CDH1 (cadherin 1; plus strand). Cytogenetic location: 16q22.1.
Variant type: Deletion.
Coding change: c.1098_1101del on transcript NM_004360.5 (MANE Select); coding-DNA positions 1098 to 1101, 4 bases deleted (TGAC; older notation c.1098_1101delTGAC).
Protein change: p.Asp367fs; shifts the reading frame from aspartic acid 367.
Molecular consequence: frameshift variant. On other transcripts: 5 prime UTR variant (2).
Genome position (GRCh38, 1-based): chr16:68,812,224-68,812,227, TGAC deleted; deleting any 4 consecutive bases within chr16:68,812,222-68,812,227 gives the same sequence; the c. name uses the placement nearest the transcript's 3' end. VCF-style (leftmost placement, unchanged base first): chr16-68812221-CACTG-C. GRCh37 (hg19) VCF-style: chr16-68846124-CACTG-C.
Other names: c.1098_1101del, p.Asp367fs (NM_001317184.2); c.-518_-515del (NM_001317185.2); c.-722_-719del (NM_001317186.2); short protein forms D367fs.
Identifiers: ClinVar variation 2583587 (VCV002583587.2), dbSNP rs2543924408, ClinGen allele CA2582342575.

ClinVar aggregate classification (germline): Pathogenic (1 of 4 stars; one submission).

Conditions:
Hereditary diffuse gastric adenocarcinoma (HDGC). Also called: DIFFUSE GASTRIC AND LOBULAR BREAST CANCER SYNDROME. Identifiers: Orphanet 26106, MedGen C1708349, MONDO:0007648, OMIM 137215.

Submission:

Myriad Genetics, Inc.
Classification: Pathogenic for Hereditary diffuse gastric adenocarcinoma. Last evaluated: 2023-06-12. Review status: criteria provided, single submitter. Criteria: Myriad Autosomal Dominant, Autosomal Recessive and X-Linked Classification Criteria (2023). Collection method: clinical testing. Allele origin: unknown.
Comment: This variant is considered pathogenic. This variant creates a frameshift predicted to result in premature protein truncation.